The following is an entry in ClinVar:

ClinVar aggregate classification (germline): Benign. Review status: criteria provided, single submitter (1 of 4 stars). 2 submissions from 2 submitters: Benign (1). 1 of the submissions does not count toward it. Last evaluated 2025-12-30.

Conditions:
SETBP1-related disorder. Also called: SETBP1-related condition; SETBP1-related disorders.

Allele frequency attached by ClinVar (database versions not stated): gnomAD 0.00001 and 0.00003; TOPMed 0.00003; gnomAD exomes 0.00006 and 0.00014; 1000 Genomes Project 30x 0.00016; ExAC 0.00019; 1000 Genomes Project 0.00020.
gnomAD v4.1: 88 of 1,614,004 alleles (0.0055%); highest among the groups gnomAD compares: South Asian, 0.061%; no homozygotes.

Submissions (2):

Labcorp Genetics (formerly Invitae), Labcorp
Classification: Benign. Last evaluated: 2025-12-30. Review status: criteria provided, single submitter. Criteria: Invitae Variant Classification Sherloc (09022015). Collection method: clinical testing. Allele origin: germline.

PreventionGenetics, part of Exact Sciences
Classification: Likely benign for SETBP1-related condition. Last evaluated: 2021-03-31. Review status: no assertion criteria provided. Collection method: clinical testing. Allele origin: germline. Not counted in ClinVar's aggregate classification.
Comment: This variant is classified as likely benign based on ACMG/AMP sequence variant interpretation guidelines (Richards et al. 2015 PMID: 25741868, with internal and published modifications).

NM_015559.3(SETBP1):c.3313G>A (p.Gly1105Ser)

Gene: SETBP1 (SET binding protein 1; plus strand). Cytogenetic location: 18q12.3.
Variant type: single nucleotide variant.
Coding change: c.3313G>A on transcript NM_015559.3 (MANE Select); coding-DNA position 3313, G replaced by A.
Protein change: p.Gly1105Ser; replaces glycine 1105 with serine.
Molecular consequence: missense variant.
Genome position (GRCh38, 1-based): chr18:44,952,653, G>A. VCF-style: chr18-44952653-G-A. GRCh37 (hg19) VCF-style: chr18-42532618-G-A.
Other names: c.3313G>A, p.Gly1105Ser (NM_001379141.1, NM_001379142.1); c.3313G>A (NM_015559.2); short protein forms G1105S.
Identifiers: ClinVar variation 1447369 (VCV001447369.8), dbSNP rs545808906, ClinGen allele CA8945883.